The following is an entry in ClinVar:

ClinVar aggregate classification (germline): Uncertain significance (1 of 4 stars; one submission).

Allele frequency attached by ClinVar (database versions not stated): TOPMed below 0.00001.

Submission:

Labcorp Genetics (formerly Invitae), Labcorp
Classification: Uncertain significance. Last evaluated: 2022-05-12. Review status: criteria provided, single submitter. Criteria: Invitae Variant Classification Sherloc (09022015). Collection method: clinical testing. Allele origin: germline.
Comment: This sequence change replaces valine, which is neutral and non-polar, with methionine, which is neutral and non-polar, at codon 106 of the IL6R protein (p.Val106Met). This variant is not present in population databases (gnomAD no frequency). This variant has not been reported in the literature in individuals affected with IL6R-related conditions. Algorithms developed to predict the effect of missense changes on protein structure and function output the following: SIFT: "Tolerated"; PolyPhen-2: "Benign"; Align-GVGD: "Class C0". The methionine amino acid residue is found in multiple mammalian species, which suggests that this missense change does not adversely affect protein function. In summary, the available evidence is currently insufficient to determine the role of this variant in disease. Therefore, it has been classified as a Variant of Uncertain Significance.

NM_000565.4(IL6R):c.316G>A (p.Val106Met)

Gene: IL6R (interleukin 6 receptor; plus strand). Cytogenetic location: 1q21.3.
Variant type: single nucleotide variant.
Coding change: c.316G>A on transcript NM_000565.4 (MANE Select); coding-DNA position 316, G replaced by A.
Protein change: p.Val106Met; replaces valine 106 with methionine.
Molecular consequence: missense variant. On other transcripts: intron variant (1).
Genome position (GRCh38, 1-based): chr1:154,429,426, G>A. VCF-style: chr1-154429426-G-A. GRCh37 (hg19) VCF-style: chr1-154401902-G-A.
Other names: c.316G>A, p.Val106Met (NM_001206866.2, NM_001382769.1, NM_001382770.1 and 4 more transcripts); c.126+190G>A (NM_001382774.1); short protein forms V106M.
Identifiers: ClinVar variation 1953655 (VCV001953655.2), dbSNP rs1375723140, ClinGen allele CA342605043.